The following is an entry in ClinVar:

ClinVar aggregate classification (germline): Conflicting classifications of pathogenicity. Review status: criteria provided, conflicting classifications (1 of 4 stars). 14 submissions from 14 submitters: Uncertain significance (11); Likely benign (2). 1 of the submissions does not count toward it. Last evaluated 2026-01-27.

Conditions:
Fanconi anemia complementation group J. Also called: BRIP1-Related Fanconi Anemia. Identifiers: Orphanet 84, MedGen C1836860, MONDO:0012187, OMIM 609054.
Ovarian cancer. Also called: OVARIAN CANCER, SOMATIC. Identifiers: Orphanet 213500, MedGen C1140680, MONDO:0008170, OMIM 167000.
Hereditary cancer-predisposing syndrome. Also called: Neoplastic Syndromes, Hereditary; Hereditary Cancer Syndrome; Tumor predisposition; Hereditary neoplastic syndrome. Identifiers: Orphanet 140162, MedGen C0027672, MeSH D009386, MONDO:0015356.
Familial cancer of breast. Also called: Hereditary breast cancer; BREAST CANCER, FAMILIAL; hereditary breast carcinoma. Identifiers: Orphanet 227535, MedGen C0346153, MONDO:0016419, OMIM 114480. Disease mechanism: loss of function.

Allele frequency attached by ClinVar (database versions not stated): ExAC 0.00001; gnomAD exomes 0.00002 and 0.00004; TOPMed 0.00002; gnomAD 0.00003; ESP Exome Variant Server 0.00008.
gnomAD v4.1: 28 of 1,612,486 alleles (0.0017%); highest among the groups gnomAD compares: Non-Finnish European, 0.00042%; no homozygotes.

Submissions (14):

Labcorp Genetics (formerly Invitae), Labcorp
Classification: Likely benign for Familial cancer of breast; Fanconi anemia complementation group J. Last evaluated: 2026-01-27. Review status: criteria provided, single submitter. Criteria: Invitae Variant Classification Sherloc (09022015). Collection method: clinical testing. Allele origin: germline.

Institute for Biomarker Research, Medical Diagnostic Laboratories, L.L.C.
Classification: Uncertain significance for Hereditary cancer-predisposing syndrome. Last evaluated: 2025-10-01. Review status: criteria provided, single submitter. Criteria: ACMG Guidelines, 2015. Collection method: clinical testing. Allele origin: germline.
Comment: The missense variant NM_032043.3(BRIP1):c.1619A>T (p.Gln540Leu) has not been reported previously as a pathogenic variant, to our knowledge.There is a moderate physicochemical difference between glutamine and leucine. The gene BRIP1 has a low rate of benign missense variation as indicated by a high missense variants Z-Score of 2.45. The p.Gln540Leu missense variant is predicted to be damaging by both SIFT and PolyPhen2. The nucleotide c.1619 in BRIP1 is predicted conserved by GERP++ and PhyloP across 100 vertebrates. For these reasons, this variant has been classified as Uncertain Significance.

Quest Diagnostics Nichols Institute San Juan Capistrano
Classification: Uncertain significance. Last evaluated: 2025-03-13. Review status: criteria provided, single submitter. Criteria: Quest Diagnostics criteria. Collection method: clinical testing. Allele origin: unknown.
Comment: The BRIP1 c.1619A>T (p.Gln540Leu) variant has been reported in the published literature in individuals affected with breast cancer (PMID: 12872252 (2003), 31822495 (2020), 33471991 (2021)) and ovarian cancer (PMID: 31822495 (2020)). This variant has also been observed in reportedly healthy individuals (PMID: 29368626 (2018)). The frequency of this variant in the general population (Genome Aggregation Database) is higher than would generally be expected for pathogenic variants in this gene. Analysis of this variant using bioinformatics tools for the prediction of the effect of amino acid changes on protein structure and function yielded predictions that this variant is benign. Based on the available information, we are unable to determine the clinical significance of this variant.

Ambry Genetics
Classification: Uncertain significance for Hereditary cancer-predisposing syndrome. Last evaluated: 2024-12-12. Review status: criteria provided, single submitter. Criteria: Ambry Variant Classification Scheme 2023. Collection method: clinical testing. Allele origin: germline.
Comment: The p.Q540L variant (also known as c.1619A>T), located in coding exon 10 of the BRIP1 gene, results from an A to T substitution at nucleotide position 1619. The glutamine at codon 540 is replaced by leucine, an amino acid with dissimilar properties. This alteration has been reported in 1/21 BRCA1/2-negative individuals with a personal and family history of breast cancer; however, it was not found in seven of the proband's relatives, including three relatives with breast cancer (Rutter JL et al. Hum. Mutat. 2003 Aug;22:121-8). This alteration has also been reported in a cohort of 48143 individuals diagnosed with invasive breast cancer before the age of 55 years and was not observed in 43608 control subjects (Easton DF et al. J. Med. Genet. 2016 May;53:298-309). In another study, this alteration was observed in 0/706 cases with ovarian cancer, 0/6,341 cases with breast cancer and in 1/36,687 controls (Weber-Lassalle N et al. Breast Cancer Res. 2018 Jan;20:7). In one study, this alteration was detected in 1/2160 early-onset breast cancer cases and 1/1,199 ovarian cancer cases; the patient with ovarian cancer also had a pathogenic alteration in BRCA1 or BRCA2 (Moyer CL et al. Cancer Res. 2020 Feb;80:857-867). This amino acid position is not well conserved in available vertebrate species. In addition, the in silico prediction for this alteration is inconclusive. Since supporting evidence is limited at this time, the clinical significance of this alteration remains unclear.

Baylor Genetics
Classification: Uncertain significance for Familial cancer of breast. Last evaluated: 2024-03-12. Review status: criteria provided, single submitter. Criteria: ACMG Guidelines, 2015. Collection method: clinical testing. Allele origin: unknown.

GeneDx
Classification: Uncertain significance. Last evaluated: 2023-11-19. Review status: criteria provided, single submitter. Criteria: GeneDx Variant Classification Process June 2021. Collection method: clinical testing. Allele origin: germline. Affected: yes.
Comment: In silico analysis supports that this missense variant has a deleterious effect on protein structure/function; This variant is associated with the following publications: (PMID: 26659599, 31822495, 12872252, 26921362, 19584272, 27527004, 29368626, 36845387)

Myriad Genetics, Inc.
Classification: Uncertain significance for Familial cancer of breast. Last evaluated: 2023-03-01. Review status: criteria provided, single submitter. Criteria: Myriad Autosomal Dominant, Autosomal Recessive and X-Linked Classification Criteria (2023). Collection method: clinical testing. Allele origin: unknown.
Comment: This variant is classified as a variant of uncertain significance as there is insufficient evidence to determine its impact on protein function and/or cancer risk.

Department of Pathology and Laboratory Medicine, Sinai Health System
Classification: Uncertain significance for Familial cancer of breast. Last evaluated: 2022-11-22. Review status: criteria provided, single submitter. Criteria: ACMG Guidelines, 2015. Collection method: clinical testing. Allele origin: germline. Affected: yes.

MGZ Medical Genetics Center
Classification: Uncertain significance for Familial cancer of breast. Last evaluated: 2021-10-26. Review status: criteria provided, single submitter. Criteria: ACMG Guidelines, 2015. Collection method: clinical testing. Allele origin: germline. Affected: yes. Observed: 1 variant allele.
Comment: ACMG criteria applied: PM2_SUP, BP4

Sema4
Classification: Uncertain significance for Hereditary cancer-predisposing syndrome. Last evaluated: 2021-05-15. Review status: criteria provided, single submitter. Criteria: Sema4 Curation Guidelines. Collection method: curation. Allele origin: germline.
Comment: The BRIP1 c.1619A>T (p.Q540L) variant has been reported in individuals with breast and ovarian cancer. One of the breast cancer patients had three affected family members who did not carry the variant indicating lack of segregation with the disease in this family. Additionally, an ovarian cancer patient also carried a pathogenic BRCA1/2 mutation which is more likely to explain the disease (PMID: 12872252, 31822495). It was observed in 8/10070 chromosomes of the Ashkenazi Jewish subpopulation in the large and broad cohorts of the Genome Aggregation Database (PMID: 32461654). The variant has been reported in ClinVar (Variation ID 142473). In silico tools suggest the impact of the variant on protein function is inconclusive though these predictions have not been confirmed by functional studies. The evidence is insufficient to meet ACMG/AMP criteria for classifying the variant as benign or pathogenic. Thus, the clinical significance of this variant is currently uncertain.

Fulgent Genetics
Classification: Uncertain significance for Familial cancer of breast; Fanconi anemia complementation group J. Last evaluated: 2018-10-31. Review status: criteria provided, single submitter. Criteria: ACMG Guidelines, 2015. Collection method: clinical testing. Allele origin: unknown.

Women's Health and Genetics/Laboratory Corporation of America, LabCorp
Classification: Uncertain significance. Last evaluated: 2017-11-24. Review status: criteria provided, single submitter. Criteria: LabCorp Variant Classification Summary - May 2015. Collection method: clinical testing. Allele origin: germline.
Comment: Variant summary: The BRIP1 c.1619A>T (p.Gln540Leu) variant involves the alteration of a conserved nucleotide and 2/4 in silico tools predict a benign outcome for this variant (SNPsandGO not captured due to low reliability index). However, these predictions have yet to be functionally assessed. This variant was found in 7/349872 control chromosomes (gnomAD), predominantly observed in the Ashkenazi Jewish subpopulation at a frequency of 0.000712 (7/9838). This frequency is about 11 times the estimated maximal expected allele frequency of a pathogenic BRIP1 variant (0.0000625), suggesting this is likely a benign polymorphism found primarily in those of Ashkenazi Jewish origin. A publication, Rutter_2003, indicates the variant was found in a Breast Cancer family, which three affected family members did not carry the variant of interest showing lack of cosegregation. In addition, multiple clinical diagnostic laboratories/reputable databases classified this variant as uncertain significance. Taken together, this variant is classified as a "Variant of Uncertain Significance - Possibly Benign."

Color Diagnostics, LLC DBA Color Health
Classification: Likely benign for Hereditary cancer-predisposing syndrome. Last evaluated: 2016-07-12. Review status: criteria provided, single submitter. Criteria: ACMG Guidelines, 2015. Collection method: clinical testing. Allele origin: germline.

Counsyl
Classification: Uncertain significance for Fanconi anemia complementation group J; Ovarian cancer. Last evaluated: 2017-10-04. Review status: no assertion criteria provided. Collection method: clinical testing. Allele origin: unknown. Not counted in ClinVar's aggregate classification.

Literature cited by the submitters: PubMed 12872252 (cited by 6 submitters); PubMed 29368626 (cited by Quest Diagnostics Nichols Institute San Juan Capistrano and Ambry Genetics); PubMed 31822495 (cited by 4 submitters); PubMed 33471991 (cited by Quest Diagnostics Nichols Institute San Juan Capistrano); PubMed 36845387 (cited by Quest Diagnostics Nichols Institute San Juan Capistrano); PubMed 26921362 (cited by 3 submitters); PubMed 27527004 (cited by Counsyl); PubMed 19584272 (cited by Counsyl); PubMed 26659599 (cited by Counsyl).

NM_032043.3(BRIP1):c.1619A>T (p.Gln540Leu)

Gene: BRIP1 (BRCA1 interacting DNA helicase 1; minus strand). Cytogenetic location: 17q23.2.
Variant type: single nucleotide variant.
Coding change: c.1619A>T on transcript NM_032043.3 (MANE Select); coding-DNA position 1619, A replaced by T.
Protein change: p.Gln540Leu; replaces glutamine 540 with leucine.
Molecular consequence: missense variant.
Genome position (GRCh38, 1-based): chr17:61,784,279, T>A on the plus strand (A>T on the coding strand, the complement: BRIP1 is on the minus strand). VCF-style: chr17-61784279-T-A. GRCh37 (hg19) VCF-style: chr17-59861640-T-A.
Other names: short protein forms Q540L.
Identifiers: ClinVar variation 142473 (VCV000142473.34), dbSNP rs4988349, ClinGen allele CA168446.